The following is an entry in ClinVar:

NM_000203.5(IDUA):c.1561_1570del (p.Ala520_Gly521insTer)

Gene: IDUA (alpha-L-iduronidase; plus strand). Cytogenetic location: 4p16.3.
Variant type: Deletion.
Coding change: c.1561_1570del on transcript NM_000203.5 (MANE Select); coding-DNA positions 1561 to 1570, 10 bases deleted (GGCGGCCGCC; older notation c.1561_1570delGGCGGCCGCC).
Protein change: p.Ala520_Gly521insTer.
Molecular consequence: nonsense. On other transcripts: non-coding transcript variant (1).
Genome position (GRCh38, 1-based): chr4:1,003,381-1,003,390, GGCGGCCGCC deleted; deleting any 10 consecutive bases within chr4:1,003,376-1,003,390 gives the same sequence; the c. name uses the placement nearest the transcript's 3' end. VCF-style (leftmost placement, unchanged base first): chr4-1003375-CCCGCCGGCGG-C. GRCh37 (hg19) VCF-style: chr4-997163-CCCGCCGGCGG-C.
Other names: c.1165_1174del, p.Ala388_Gly389insTer (NM_001363576.1).
Identifiers: ClinVar variation 860010 (VCV000860010.8), dbSNP rs1715237631, ClinGen allele CA916082628.

ClinVar aggregate classification (germline): Pathogenic (1 of 4 stars; one submission).

Conditions:
Mucopolysaccharidosis type 1. Also called: Mucopolysaccharidosis Type I; IDUA deficiency; MPS I. Identifiers: Orphanet 579, MedGen C0023786, MONDO:0001586.

Submission:

Labcorp Genetics (formerly Invitae), Labcorp
Classification: Pathogenic for Mucopolysaccharidosis type 1. Last evaluated: 2022-05-13. Review status: criteria provided, single submitter. Criteria: Invitae Variant Classification Sherloc (09022015). Collection method: clinical testing. Allele origin: germline.
Comment: For these reasons, this variant has been classified as Pathogenic. ClinVar contains an entry for this variant (Variation ID: 860010). This variant has not been reported in the literature in individuals affected with IDUA-related conditions. This variant is not present in population databases (gnomAD no frequency). This sequence change creates a premature translational stop signal (p.Gly521*) in the IDUA gene. It is expected to result in an absent or disrupted protein product. Loss-of-function variants in IDUA are known to be pathogenic (PMID: 11735025, 21480867).

Literature cited by the submitters: PubMed 11735025; PubMed 21480867.